The following is an entry in ClinVar:

NM_032237.5(POMK):c.44G>T (p.Arg15Leu)

Gene: POMK (protein O-mannose kinase; plus strand). Cytogenetic location: 8p11.21.
Variant type: single nucleotide variant.
Coding change: c.44G>T on transcript NM_032237.5 (MANE Select); coding-DNA position 44, G replaced by T.
Protein change: p.Arg15Leu; replaces arginine 15 with leucine.
Molecular consequence: missense variant.
Genome position (GRCh38, 1-based): chr8:43,103,592, G>T. VCF-style: chr8-43103592-G-T. GRCh37 (hg19) VCF-style: chr8-42958735-G-T.
Other names: c.44G>T, p.Arg15Leu (NM_001277971.2); c.44G>T (NM_032237.3); short protein forms R15L.
Identifiers: ClinVar variation 2190123 (VCV002190123.3), dbSNP rs377725187, ClinGen allele CA4736179.

ClinVar aggregate classification (germline): Uncertain significance. Review status: criteria provided, multiple submitters, no conflicts (2 of 4 stars). 2 submissions from 2 submitters: Uncertain significance (2). Last evaluated 2023-04-11.

Conditions:
Limb-girdle muscular dystrophy due to POMK deficiency. Also called: MUSCULAR DYSTROPHY-DYSTROGLYCANOPATHY, LIMB-GIRDLE, POMK-RELATED; Muscular dystrophy-dystroglycanopathy (limb-girdle), type c, 12. Identifiers: Orphanet 445110, MedGen C4015184, MONDO:0014489, OMIM 616094.
Muscular dystrophy-dystroglycanopathy (congenital with brain and eye anomalies), type a, 12 (MDDGA12). Also called: WALKER-WARBURG SYNDROME OR MUSCLE-EYE-BRAIN DISEASE, POMK-RELATED. Identifiers: Orphanet 899, MedGen C3808964, MONDO:0014101, OMIM 615249.
Inborn genetic diseases. Identifiers: MedGen C0950123, MeSH D030342.

Allele frequency attached by ClinVar (database versions not stated): 1000 Genomes Project 30x 0.00016; 1000 Genomes Project 0.00020.

Submissions (2):

Ambry Genetics
Classification: Uncertain significance for Inborn genetic diseases. Last evaluated: 2023-04-11. Review status: criteria provided, single submitter. Criteria: Ambry Variant Classification Scheme 2023. Collection method: clinical testing. Allele origin: germline.

Labcorp Genetics (formerly Invitae), Labcorp
Classification: Uncertain significance for Muscular dystrophy-dystroglycanopathy (congenital with brain and eye anomalies), type a, 12; Limb-girdle muscular dystrophy due to POMK deficiency. Last evaluated: 2022-11-01. Review status: criteria provided, single submitter. Criteria: Invitae Variant Classification Sherloc (09022015). Collection method: clinical testing. Allele origin: germline.
Comment: This sequence change replaces arginine, which is basic and polar, with leucine, which is neutral and non-polar, at codon 15 of the POMK protein (p.Arg15Leu). This variant is present in population databases (rs377725187, gnomAD 0.09%). This variant has not been reported in the literature in individuals affected with POMK-related conditions. Advanced modeling of protein sequence and biophysical properties (such as structural, functional, and spatial information, amino acid conservation, physicochemical variation, residue mobility, and thermodynamic stability) performed at Invitae indicates that this missense variant is not expected to disrupt POMK protein function. In summary, the available evidence is currently insufficient to determine the role of this variant in disease. Therefore, it has been classified as a Variant of Uncertain Significance.